The following is an entry in ClinVar:

ClinVar aggregate classification (germline): Benign/Likely benign. Review status: criteria provided, multiple submitters, no conflicts (2 of 4 stars). 3 submissions from 3 submitters: Benign (1); Likely benign (2). Last evaluated 2026-06-01.

Conditions:
Early-infantile DEE. Also called: Early infantile epileptic encephalopathy; Ohtahara syndrome; Early infantile epileptic encephalopathy with suppression bursts. Identifiers: Orphanet 1934, MedGen C0393706, MONDO:0800491.
Inborn genetic diseases. Identifiers: MedGen C0950123, MeSH D030342.

Allele frequency attached by ClinVar (database versions not stated): ExAC 0.00001; gnomAD exomes 0.00001; gnomAD 0.00007 and 0.00008; TOPMed 0.00009.
gnomAD v4.1: 23 of 1,613,790 alleles (0.0014%); highest among the groups gnomAD compares: African/African-American, 0.023%; no homozygotes.

Submissions (3):

CeGaT Center for Human Genetics Tuebingen
Classification: Likely benign. Last evaluated: 2026-06-01. Review status: criteria provided, single submitter. Criteria: CeGaT Center For Human Genetics Tuebingen Variant Classification Criteria Version 2. Collection method: clinical testing. Allele origin: germline. Affected: yes. Observed: 1 variant allele.
Comment: SPTAN1: BP4

Labcorp Genetics (formerly Invitae), Labcorp
Classification: Likely benign for Early-infantile DEE. Last evaluated: 2025-08-25. Review status: criteria provided, single submitter. Criteria: Invitae Variant Classification Sherloc (09022015). Collection method: clinical testing. Allele origin: germline.

Ambry Genetics
Classification: Benign for Inborn genetic diseases. Last evaluated: 2020-09-11. Review status: criteria provided, single submitter. Criteria: Ambry Variant Classification Scheme 2023. Collection method: clinical testing. Allele origin: germline.

NM_001130438.3(SPTAN1):c.5949C>T (p.Phe1983=)

Gene: SPTAN1 (spectrin alpha, non-erythrocytic 1; plus strand). Cytogenetic location: 9q34.11.
Variant type: single nucleotide variant.
Coding change: c.5949C>T on transcript NM_001130438.3 (MANE Select); coding-DNA position 5949, C replaced by T.
Protein change: p.Phe1983=; no amino-acid change (phenylalanine 1983 retained).
Molecular consequence: synonymous variant.
Genome position (GRCh38, 1-based): chr9:128,624,444, C>T. VCF-style: chr9-128624444-C-T. GRCh37 (hg19) VCF-style: chr9-131386723-C-T.
Other names: c.5874C>T, p.Phe1958= (NM_001195532.2); c.5949C>T, p.Phe1983= (NM_001363759.2); c.5889C>T, p.Phe1963= (NM_001363765.2); c.5934C>T, p.Phe1978= (NM_003127.4).
Identifiers: ClinVar variation 530570 (VCV000530570.13), dbSNP rs762358113, ClinGen allele CA5265602.